The following is an entry in ClinVar:

ClinVar aggregate classification (germline): Pathogenic (1 of 4 stars; one submission).

Conditions:
Deficiency of alpha-mannosidase (MANSA). Also called: LYSOSOMAL ALPHA-D-MANNOSIDASE DEFICIENCY; Alpha-Mannosidosis; Mannosidosis, alpha-, types I and II. Identifiers: Orphanet 61, MedGen C0024748, MONDO:0009561, OMIM 248500.

Submission:

Myriad Genetics, Inc.
Classification: Pathogenic for Deficiency of alpha-mannosidase. Last evaluated: 2024-02-13. Review status: criteria provided, single submitter. Criteria: Myriad Autosomal Dominant, Autosomal Recessive and X-Linked Classification Criteria (2023). Collection method: clinical testing. Allele origin: unknown.
Comment: NM_000528.3(MAN2B1):c.2731_2734delGAAAinsAAT(E911Nfs*13) is expected to be pathogenic in the context of alpha-mannosidosis. This variant is predicted to lead to an abnormal or absent protein product due to the creation of a premature termination codon in MAN2B1, a gene where loss-of-function variants are known to be pathogenic. Please note: this variant was assessed in the context of healthy population screening.

NM_000528.4(MAN2B1):c.2731_2734delinsAAT (p.Glu911fs)

Genes: MAN2B1 (mannosidase alpha class 2B member 1; minus strand), LOC130063648 (ATAC-STARR-seq lymphoblastoid active region 14063; plus strand). Cytogenetic location: 19p13.13.
Variant type: Indel.
Coding change: c.2731_2734delinsAAT on transcript NM_000528.4 (MANE Select); coding-DNA positions 2731 to 2734, GAAA replaced by AAT.
Protein change: p.Glu911fs; shifts the reading frame from glutamic acid 911.
Molecular consequence: frameshift variant.
Genome position (GRCh38, 1-based): chr19:12,647,529-12,647,532, TTTC replaced by ATT on the plus strand (GAAA replaced by AAT on the coding strand, the reverse complement: MAN2B1 is on the minus strand). VCF-style: chr19-12647529-TTTC-ATT. GRCh37 (hg19) VCF-style: chr19-12758343-TTTC-ATT.
Other names: c.2728_2731delinsAAT, p.Glu910fs (NM_001173498.2); c.2734_2737delinsAAT, p.Glu912fs (NM_001440570.1); short protein forms E910fs, E911fs, E912fs.
Identifiers: ClinVar variation 5012732 (VCV005012732.1).